The following is an entry in ClinVar:

ClinVar aggregate classification (germline): Likely benign. Review status: criteria provided, single submitter (1 of 4 stars). 2 submissions from 2 submitters: Likely benign (1). 1 of the submissions does not count toward it. Last evaluated 2025-05-01.

Conditions:
ALDH6A1-related disorder. Also called: ALDH6A1-related condition.

Submissions (2):

Labcorp Genetics (formerly Invitae), Labcorp
Classification: Likely benign. Last evaluated: 2025-05-01. Review status: criteria provided, single submitter. Criteria: Invitae Variant Classification Sherloc (09022015). Collection method: clinical testing. Allele origin: germline.

PreventionGenetics, part of Exact Sciences
Classification: Likely benign for ALDH6A1-related condition. Last evaluated: 2021-03-24. Review status: no assertion criteria provided. Collection method: clinical testing. Allele origin: germline. Not counted in ClinVar's aggregate classification.
Comment: This variant is classified as likely benign based on ACMG/AMP sequence variant interpretation guidelines (Richards et al. 2015 PMID: 25741868, with internal and published modifications).

NM_005589.4(ALDH6A1):c.853-4_853-3dup

Genes: ALDH6A1 (aldehyde dehydrogenase 6 family member A1; minus strand), BBOF1 (basal body orientation factor 1; plus strand). Cytogenetic location: 14q24.3.
Variant type: Duplication.
Coding change: c.853-4_853-3dup on transcript NM_005589.4 (MANE Select); 4 bases into the intron before coding-DNA position 853 through 3 bases into the intron before coding-DNA position 853, 2 bases duplicated (TT; older notation c.853-4_853-3dupTT).
Molecular consequence: intron variant.
Genome position (GRCh38, 1-based): chr14:74,067,572-74,067,573, AA duplicated on the plus strand (TT on the coding strand, the reverse complement: ALDH6A1 is on the minus strand); duplicating any 2 consecutive bases within chr14:74,067,572-74,067,580 gives the same sequence; the c. name uses the placement nearest the transcript's 3' end. VCF-style (leftmost placement, unchanged base first): chr14-74067571-T-TAA. GRCh37 (hg19) VCF-style: chr14-74534274-T-TAA.
Other names: c.814-4_814-3dup (NM_001278593.2); c.391-4_391-3dup (NM_001278594.2).
Identifiers: ClinVar variation 3048107 (VCV003048107.3), dbSNP rs528185481, ClinGen allele CA964702501.
Genomic context (GRCh38, chr14:74,067,571, plus strand): 5'-TGGTTCAGGGTATTTTCCTTATTGGCATCTGGCATGACTACCCCATGGTTCTTGGCTCCC[T>TAA]AAAAAAAAATGCAGAAAGCACATGAGTCTTCCTTGGCCAAATACAACTAAGCTAAGAAAT-3'